The following is an entry in ClinVar:

ClinVar aggregate classification (germline): Uncertain significance (1 of 4 stars; one submission).

Submission:

GeneDx
Classification: Uncertain significance. Last evaluated: 2022-12-06. Review status: criteria provided, single submitter. Criteria: GeneDx Variant Classification Process June 2021. Collection method: clinical testing. Allele origin: germline. Affected: yes.
Comment: Not observed at significant frequency in large population cohorts (gnomAD); In silico analysis supports that this missense variant does not alter protein structure/function; Has not been previously published as pathogenic or benign to our knowledge

NM_001205293.3(CACNA1E):c.5738C>G (p.Ala1913Gly)

Gene: CACNA1E (calcium voltage-gated channel subunit alpha1 E; plus strand). Cytogenetic location: 1q25.3.
Variant type: single nucleotide variant.
Coding change: c.5738C>G on transcript NM_001205293.3 (MANE Select); coding-DNA position 5738, C replaced by G.
Protein change: p.Ala1913Gly; replaces alanine 1913 with glycine.
Molecular consequence: missense variant.
Genome position (GRCh38, 1-based): chr1:181,785,771, C>G. VCF-style: chr1-181785771-C-G. GRCh37 (hg19) VCF-style: chr1-181754907-C-G.
Other names: c.5738C>G, p.Ala1913Gly (NM_000721.4); c.5681C>G, p.Ala1894Gly (NM_001205294.2); short protein forms A1894G, A1913G.
Identifiers: ClinVar variation 2504796 (VCV002504796.1), dbSNP rs2529257706, ClinGen allele CA343631758.
Genomic context (GRCh38, chr1:181,785,771, plus strand): 5'-AGAAAAATGCCCCCATGTTCCAGCGCATGGAGCCTTCATCTCTGCCTCAGGAGATCATTG[C>G]TAATGCCAAAGCCCTGCCTTACCTCCAGCAGGACCCCGTTTCAGGCCTGTGAGTAGCACC-3'
Protein context (NP_001192222.1, residues 1903-1923): EPSSLPQEII[Ala1913Gly]NAKALPYLQQ